The following is an entry in ClinVar:

ClinVar aggregate classification (germline): Uncertain significance. Review status: criteria provided, multiple submitters, no conflicts (2 of 4 stars). 2 submissions from 2 submitters: Uncertain significance (2). Last evaluated 2025-05-10.

Conditions:
Cardiovascular phenotype. Identifiers: MedGen CN230736.
Brugada syndrome. Also called: Sudden Unexplained Death Syndrome; Sudden Unexplained Nocturnal Death Syndrome (SUNDS); Sudden unexplained nocturnal death syndrome; Sudden unexpected nocturnal death syndrome. Identifiers: Orphanet 130, MedGen C1142166, MONDO:0015263.

Submissions (2):

Ambry Genetics
Classification: Uncertain significance for Cardiovascular phenotype. Last evaluated: 2025-05-10. Review status: criteria provided, single submitter. Criteria: Ambry Variant Classification Scheme 2023. Collection method: clinical testing. Allele origin: germline.
Comment: The p.S890A variant (also known as c.2668T>G), located in coding exon 33 of the CACNA2D1 gene, results from a T to G substitution at nucleotide position 2668. The serine at codon 890 is replaced by alanine, an amino acid with similar properties. This amino acid position is conserved. In addition, the in silico prediction for this alteration is inconclusive. Based on the available evidence, the clinical significance of this variant remains unclear.

Labcorp Genetics (formerly Invitae), Labcorp
Classification: Uncertain significance for Brugada syndrome. Last evaluated: 2022-02-08. Review status: criteria provided, single submitter. Criteria: Invitae Variant Classification Sherloc (09022015). Collection method: clinical testing. Allele origin: germline.
Comment: Algorithms developed to predict the effect of missense changes on protein structure and function (SIFT, PolyPhen-2, Align-GVGD) all suggest that this variant is likely to be tolerated. This sequence change replaces serine, which is neutral and polar, with alanine, which is neutral and non-polar, at codon 890 of the CACNA2D1 protein (p.Ser890Ala). This variant is not present in population databases (gnomAD no frequency). This variant has not been reported in the literature in individuals affected with CACNA2D1-related conditions. In summary, the available evidence is currently insufficient to determine the role of this variant in disease. Therefore, it has been classified as a Variant of Uncertain Significance.

NM_000722.4(CACNA2D1):c.2668T>G (p.Ser890Ala)

Gene: CACNA2D1 (calcium voltage-gated channel auxiliary subunit alpha2delta 1; minus strand). Cytogenetic location: 7q21.11.
Variant type: single nucleotide variant.
Coding change: c.2668T>G on transcript NM_000722.4 (MANE Select); coding-DNA position 2668, T replaced by G.
Protein change: p.Ser890Ala; replaces serine 890 with alanine.
Molecular consequence: missense variant.
Genome position (GRCh38, 1-based): chr7:81,964,266, A>C on the plus strand (T>G on the coding strand, the complement: CACNA2D1 is on the minus strand). VCF-style: chr7-81964266-A-C. GRCh37 (hg19) VCF-style: chr7-81593582-A-C.
Other names: c.2704T>G, p.Ser902Ala (NM_001366867.1); short protein forms S890A, S902A.
Identifiers: ClinVar variation 2095102 (VCV002095102.5), dbSNP rs1794473855, ClinGen allele CA367885110.